The following is an entry in ClinVar:

NM_001253.4(CDC5L):c.-7C>T

Gene: CDC5L (cell division cycle 5 like; plus strand). Cytogenetic location: 6p21.1.
Variant type: single nucleotide variant.
Coding change: c.-7C>T on transcript NM_001253.4 (MANE Select); 7 bases upstream of the start codon, C replaced by T.
Molecular consequence: 5 prime UTR variant.
Genome position (GRCh38, 1-based): chr6:44,387,817, C>T. VCF-style: chr6-44387817-C-T. GRCh37 (hg19) VCF-style: chr6-44355554-C-T.
Identifiers: ClinVar variation 3034944 (VCV003034944.2), dbSNP rs144524558, ClinGen allele CA3835121.

ClinVar aggregate classification (germline): Likely benign (0 of 4 stars; one submission).

Conditions:
CDC5L-related disorder. Also called: CDC5L-related condition.

Allele frequency attached by ClinVar (database versions not stated): gnomAD exomes 0.00002; ExAC 0.00004; TOPMed 0.00020; gnomAD 0.00026; 1000 Genomes Project 0.00040; 1000 Genomes Project 30x 0.00062.
gnomAD v4.1: 70 of 1,562,870 alleles (0.0045%); highest among the groups gnomAD compares: African/African-American, 0.09%; no homozygotes.

Submission:

PreventionGenetics, part of Exact Sciences
Classification: Likely benign for CDC5L-related condition. Last evaluated: 2019-04-12. Review status: no assertion criteria provided. Collection method: clinical testing. Allele origin: germline.
Comment: This variant is classified as likely benign based on ACMG/AMP sequence variant interpretation guidelines (Richards et al. 2015 PMID: 25741868, with internal and published modifications).